The following is an entry in ClinVar:

NM_005612.5(REST):c.1758T>A (p.Asn586Lys)

Gene: REST (RE1 silencing transcription factor; plus strand). Cytogenetic location: 4q12.
Variant type: single nucleotide variant.
Coding change: c.1758T>A on transcript NM_005612.5 (MANE Select); coding-DNA position 1758, T replaced by A.
Protein change: p.Asn586Lys; replaces asparagine 586 with lysine.
Molecular consequence: missense variant.
Genome position (GRCh38, 1-based): chr4:56,930,616, T>A. VCF-style: chr4-56930616-T-A. GRCh37 (hg19) VCF-style: chr4-57796782-T-A.
Other names: c.1758T>A, p.Asn586Lys (NM_001193508.2, NM_001363453.3); c.1758T>A (NM_005612.4); short protein forms N586K.
Identifiers: ClinVar variation 1567915 (VCV001567915.9), dbSNP rs546657732, ClinGen allele CA2932316.

ClinVar aggregate classification (germline): Likely benign. Review status: criteria provided, multiple submitters, no conflicts (2 of 4 stars). 2 submissions from 2 submitters: Likely benign (2). Last evaluated 2025-12-08.

Conditions:
REST-related disorder. Also called: REST-related condition.

Allele frequency attached by ClinVar (database versions not stated): ExAC 0.00024; gnomAD exomes 0.00025; 1000 Genomes Project 0.00060; 1000 Genomes Project 30x 0.00078.
gnomAD v4.1: 213 of 1,612,532 alleles (0.013%); highest among the groups gnomAD compares: South Asian, 0.23%; 2 homozygotes.

Submissions (2):

Labcorp Genetics (formerly Invitae), Labcorp
Classification: Likely benign. Last evaluated: 2025-12-08. Review status: criteria provided, single submitter. Criteria: Invitae Variant Classification Sherloc (09022015). Collection method: clinical testing. Allele origin: germline.

PreventionGenetics, part of Exact Sciences
Classification: Likely benign for REST-related condition. Last evaluated: 2024-12-21. Review status: criteria provided, single submitter. Criteria: ACMG Guidelines, 2015. Collection method: clinical testing. Allele origin: germline.
Comment: This variant is classified as likely benign based on ACMG/AMP sequence variant interpretation guidelines (Richards et al. 2015 PMID: 25741868, with internal and published modifications).